The following is an entry in ClinVar:

ClinVar aggregate classification (germline): Uncertain significance. Review status: criteria provided, multiple submitters, no conflicts (2 of 4 stars). 2 submissions from 2 submitters: Uncertain significance (2). Last evaluated 2024-07-08.

Conditions:
Primary ciliary dyskinesia 23 (CILD23). Also called: CILIARY DYSKINESIA, PRIMARY, 23, WITH OR WITHOUT SITUS INVERSUS. Identifiers: Orphanet 244, MedGen C3809548, MONDO:0014193, OMIM 615451.

Allele frequency attached by ClinVar (database versions not stated): gnomAD exomes 0.00002 and 0.00004; gnomAD 0.00003; TOPMed 0.00003; ExAC 0.00005.
gnomAD v4.1: 35 of 1,613,932 alleles (0.0022%); highest among the groups gnomAD compares: South Asian, 0.012%; no homozygotes.

Submissions (2):

Blueprint Genetics
Classification: Uncertain significance. Last evaluated: 2024-07-08. Review status: criteria provided, single submitter. Criteria: ACMG Guidelines, 2015. Collection method: clinical testing. Allele origin: germline.

Labcorp Genetics (formerly Invitae), Labcorp
Classification: Uncertain significance for Primary ciliary dyskinesia 23. Last evaluated: 2022-08-20. Review status: criteria provided, single submitter. Criteria: Invitae Variant Classification Sherloc (09022015). Collection method: clinical testing. Allele origin: germline.
Comment: This sequence change replaces valine, which is neutral and non-polar, with alanine, which is neutral and non-polar, at codon 803 of the ARMC4 protein (p.Val803Ala). This variant is present in population databases (rs757057849, gnomAD 0.01%). This variant has not been reported in the literature in individuals affected with ARMC4-related conditions. ClinVar contains an entry for this variant (Variation ID: 644528). Algorithms developed to predict the effect of missense changes on protein structure and function are either unavailable or do not agree on the potential impact of this missense change (SIFT: "Deleterious"; PolyPhen-2: "Probably Damaging"; Align-GVGD: "Class C0"). In summary, the available evidence is currently insufficient to determine the role of this variant in disease. Therefore, it has been classified as a Variant of Uncertain Significance.

NM_018076.5(ODAD2):c.2408T>C (p.Val803Ala)

Gene: ODAD2 (outer dynein arm docking complex subunit 2; minus strand). Cytogenetic location: 10p12.1.
Variant type: single nucleotide variant.
Coding change: c.2408T>C on transcript NM_018076.5 (MANE Select); coding-DNA position 2408, T replaced by C.
Protein change: p.Val803Ala; replaces valine 803 with alanine.
Molecular consequence: missense variant.
Genome position (GRCh38, 1-based): chr10:27,935,097, A>G on the plus strand (T>C on the coding strand, the complement: ODAD2 is on the minus strand). VCF-style: chr10-27935097-A-G. GRCh37 (hg19) VCF-style: chr10-28224026-A-G.
Other names: c.2408T>C, p.Val803Ala (NM_001290020.2); c.983T>C, p.Val328Ala (NM_001290021.2); c.1484T>C, p.Val495Ala (NM_001312689.2); short protein forms V495A, V328A, V803A.
Identifiers: ClinVar variation 644528 (VCV000644528.7), dbSNP rs757057849, ClinGen allele CA5453213.
Genomic context (GRCh38, chr10:27,935,097, plus strand): 5'-GCACCAACTGCTTTTGTAACATTCACAAGAAGAGCTTGGTTTATTCCAACAAGGAGGTTC[A>G]CAAGTGGTTGAATGCCACCACATTTCCGGACAATGACTCGGTTTTCACGTTCTTGGCAGC-3'
Protein context (NP_060546.2, residues 793-813): VRKCGGIQPL[Val803Ala]NLLVGINQAL